The following is an entry in ClinVar:

ClinVar aggregate classification (germline): Benign (1 of 4 stars; one submission).

Conditions:
Leigh syndrome (NULS). Also called: Leigh's necrotizing encephalopathy; Leigh's disease; Leigh Syndrome (mtDNA deletion); Leigh Disease; Subacute necrotizing encephalopathy; Necrotizing encephalopathy infantile subacute of Leigh. Identifiers: Orphanet 506, MedGen C2931891, MONDO:0009723, OMIM 256000.

Submission:

Wong Mito Lab, Molecular and Human Genetics, Baylor College of Medicine
Classification: Benign for Leigh syndrome. Last evaluated: 2019-10-17. Review status: criteria provided, single submitter. Criteria: Modified ACMG Guidelines (Unpublished). Collection method: clinical testing. Allele origin: germline.
Comment: The NC_012920.1:m.5319A>G (YP_003024027.1:p.Thr284Ala) variant in MTND2 gene is interpretated to be a Benign variant based on the modified ACMG guidelines (unpublished). This variant meets the following evidence codes: BS1, BS4, BP4

NC_012920.1(MT-ND2):m.5319A>G

Gene: MT-ND2 (mitochondrially encoded NADH dehydrogenase 2; plus strand).
Variant type: single nucleotide variant.
Genome position: chrM-5319-A-G.
Identifiers: ClinVar variation 692577 (VCV000692577.1), dbSNP rs28456039, ClinGen allele CA337097110.